The following is an entry in ClinVar:

ClinVar aggregate classification (germline): Uncertain significance (1 of 4 stars; one submission).

Conditions:
Inborn genetic diseases. Identifiers: MedGen C0950123, MeSH D030342.

gnomAD v4.1: 1 of 1,612,212 alleles (0.000062%); highest among the groups gnomAD compares: Non-Finnish European, 0.000085%; no homozygotes.

Submission:

Ambry Genetics
Classification: Uncertain significance for Inborn genetic diseases. Last evaluated: 2025-12-21. Review status: criteria provided, single submitter. Criteria: Ambry Variant Classification Scheme 2023. Collection method: clinical testing. Allele origin: germline.
Comment: The p.S870L variant (also known as c.2609C>T), located in coding exon 11 of the MECOM gene, results from a C to T substitution at nucleotide position 2609. The serine at codon 870 is replaced by leucine, an amino acid with dissimilar properties. This amino acid position is conserved. In addition, the in silico prediction for this alteration is inconclusive. Based on the available evidence, the clinical significance of this variant remains unclear.

NM_004991.4(MECOM):c.2609C>T (p.Ser870Leu)

Gene: MECOM (MDS1 and EVI1 complex locus; minus strand). Cytogenetic location: 3q26.2.
Variant type: single nucleotide variant.
Coding change: c.2609C>T on transcript NM_004991.4 (MANE Select); coding-DNA position 2609, C replaced by T.
Protein change: p.Ser870Leu; replaces serine 870 with leucine.
Molecular consequence: missense variant.
Genome position (GRCh38, 1-based): chr3:169,102,222, G>A on the plus strand (C>T on the coding strand, the complement: MECOM is on the minus strand). VCF-style: chr3-169102222-G-A. GRCh37 (hg19) VCF-style: chr3-168820010-G-A.
Other names: c.2240C>T, p.Ser747Leu (NM_001105077.4); c.2045C>T, p.Ser682Leu (NM_001105078.4, NM_001205194.2, NM_001366469.2 and 1 more transcripts); c.2021C>T, p.Ser674Leu (NM_001163999.2, NM_001366470.2); c.2018C>T, p.Ser673Leu (NM_001164000.2, NM_001366471.2, NM_001366472.2); c.2582C>T, p.Ser861Leu (NM_001366466.2); c.2048C>T, p.Ser683Leu (NM_001366467.2, NM_001366468.2); c.1610C>T, p.Ser537Leu (NM_001366473.2); c.1046C>T, p.Ser349Leu (NM_001366474.2); short protein forms S673L, S674L, S682L, S861L, S747L, S870L, S349L, S537L.
Identifiers: ClinVar variation 4842750 (VCV004842750.1).
Genomic context (GRCh38, chr3:169,102,222, plus strand): 5'-CTGGCCTCAGGTTTCAGGGCACTGAAGCTCTCTAGCTTTTCTGCCATGTTTTCAATAGCT[G>A]ACATCTGAAAGGTAAAAGCACAAGACCATGAAGCGTTTGGCATCTTGTCTTCTATAATAA-3'
Protein context (NP_004982.2, residues 860-880): FQLPDQRTWM[Ser870Leu]AIENMAEKLE